The following is an entry in ClinVar:

NM_004612.4(TGFBR1):c.1477T>C (p.Ser493Pro)

Gene: TGFBR1 (transforming growth factor beta receptor 1; plus strand). Cytogenetic location: 9q22.33.
Variant type: single nucleotide variant.
Coding change: c.1477T>C on transcript NM_004612.4 (MANE Select); coding-DNA position 1477, T replaced by C.
Protein change: p.Ser493Pro; replaces serine 493 with proline.
Molecular consequence: missense variant. On other transcripts: non-coding transcript variant (4).
Genome position (GRCh38, 1-based): chr9:99,149,270, T>C. VCF-style: chr9-99149270-T-C. GRCh37 (hg19) VCF-style: chr9-101911552-T-C.
Other names: c.1246T>C, p.Ser416Pro (NM_001130916.3, NM_001407435.1); c.1489T>C, p.Ser497Pro (NM_001306210.2); c.1321T>C, p.Ser441Pro (NM_001407416.1); c.1309T>C, p.Ser437Pro (NM_001407417.1); c.1282T>C, p.Ser428Pro (NM_001407418.1, NM_001407419.1, NM_001407420.1 and 1 more transcripts); c.1270T>C, p.Ser424Pro (NM_001407423.1, NM_001407424.1, NM_001407425.1 and 8 more transcripts); c.1231T>C, p.Ser411Pro (NM_001407436.1); c.769T>C, p.Ser257Pro (NM_001407437.1); and 1 more; short protein forms S257P, S334P, S411P, S416P, S424P, S428P, S437P, S441P.
Identifiers: ClinVar variation 3386050 (VCV003386050.1).

ClinVar aggregate classification (germline): Uncertain significance (1 of 4 stars; one submission).

Conditions:
Loeys-Dietz syndrome (LDS). Identifiers: Orphanet 60030, MedGen C2697932, MONDO:0018954.

gnomAD v4.1: 1 of 1,613,886 alleles (0.000062%); highest among the groups gnomAD compares: African/African-American, 0.0013%; no homozygotes.

Submission:

All of Us Research Program, National Institutes of Health
Classification: Uncertain significance for Loeys-Dietz syndrome. Last evaluated: 2024-03-24. Review status: criteria provided, single submitter. Criteria: ACMG Guidelines, 2015. Collection method: clinical testing. Allele origin: germline. Inheritance: Autosomal dominant inheritance. Observed: 1 variant allele, 1 heterozygote.
Comment: This missense variant replaces serine with proline at codon 493 of the TGFBR1 protein. Computational prediction suggests that this variant may have deleterious impact on protein structure and function (internally defined REVEL score threshold >= 0.7, PMID: 27666373). To our knowledge, functional studies have not been reported for this variant. This variant has not been reported in individuals affected with TGFBR1-related disorders in the literature. This variant has not been identified in the general population by the Genome Aggregation Database (gnomAD). The available evidence is insufficient to determine the role of this variant in disease conclusively. Therefore, this variant is classified as a Variant of Uncertain Significance.

This study involves interpretation of variants in research participants for the purpose of population health screening. Participant phenotype was not available at the time of variant classification. Additional details can be found in publication PMID: 35346344, PMCID: PMC8962531